The following is an entry in ClinVar:

NC_000001.10:g.(?_245018389)_(245019742_?)del

Gene: HNRNPU (heterogeneous nuclear ribonucleoprotein U; minus strand). Cytogenetic location: 1q44.
Variant type: Deletion.
Identifiers: ClinVar variation 3247850 (VCV003247850.1).

ClinVar aggregate classification (germline): Pathogenic (1 of 4 stars; one submission).

Conditions:
Developmental and epileptic encephalopathy, 54. Also called: Epileptic encephalopathy, early infantile, 54; HNRNPU-Related Neurodevelopmental Disorder. Identifiers: MedGen C4479319, MONDO:0033363, OMIM 617391.

Submission:

Labcorp Genetics (formerly Invitae), Labcorp
Classification: Pathogenic for Developmental and epileptic encephalopathy, 54. Last evaluated: 2023-06-29. Review status: criteria provided, single submitter. Criteria: Invitae Variant Classification Sherloc (09022015). Collection method: clinical testing. Allele origin: unknown.
Comment: For these reasons, this variant has been classified as Pathogenic. This variant has not been reported in the literature in individuals affected with HNRNPU-related conditions. This variant is a gross deletion of the genomic region encompassing exon(s) 11-12 of the HNRNPU gene. This deletion is out-of-frame, and is expected to create a premature termination codon and result in an absent or disrupted protein product. Loss-of-function variants in HNRNPU are known to be pathogenic (PMID: 22678713, 28283832).

Literature cited by the submitters: PubMed 22678713; PubMed 28283832.